The following is an entry in ClinVar:

NM_000379.4(XDH):c.1004G>A (p.Arg335His)

Gene: XDH (xanthine dehydrogenase; minus strand). Cytogenetic location: 2p23.1.
Variant type: single nucleotide variant.
Coding change: c.1004G>A on transcript NM_000379.4 (MANE Select); coding-DNA position 1004, G replaced by A.
Protein change: p.Arg335His; replaces arginine 335 with histidine.
Molecular consequence: missense variant.
Genome position (GRCh38, 1-based): chr2:31,383,035, C>T on the plus strand (G>A on the coding strand, the complement: XDH is on the minus strand). VCF-style: chr2-31383035-C-T. GRCh37 (hg19) VCF-style: chr2-31605901-C-T.
Other names: short protein forms R335H.
Identifiers: ClinVar variation 2055335 (VCV002055335.5), dbSNP rs201810251, ClinGen allele CA1599397.

ClinVar aggregate classification (germline): Uncertain significance. Review status: criteria provided, multiple submitters, no conflicts (2 of 4 stars). 2 submissions from 2 submitters: Uncertain significance (2). Last evaluated 2026-01-18.

Conditions:
Xanthinuria type II. Also called: Xanthine dehydrogenase and aldehyde oxidase combined deficiency of; XDH and AOX dual deficiency. Identifiers: Orphanet 3467, Orphanet 93602, MedGen C1863688, MONDO:0011346, OMIM 603592.
Hereditary xanthinuria type 1 (XAN1). Identifiers: Orphanet 3467, Orphanet 93601, MedGen C0268118, MONDO:0010209, OMIM 278300.

Allele frequency attached by ClinVar (database versions not stated): gnomAD 0.00011; ExAC 0.00012; ESP Exome Variant Server 0.00015; gnomAD exomes 0.00015; 1000 Genomes Project 30x 0.00016; TOPMed 0.00017; 1000 Genomes Project 0.00020.
gnomAD v4.1: 231 of 1,614,186 alleles (0.014%); highest among the groups gnomAD compares: Non-Finnish European, 0.018%; no homozygotes.

Submissions (2):

Labcorp Genetics (formerly Invitae), Labcorp
Classification: Uncertain significance for Xanthinuria type II. Last evaluated: 2026-01-18. Review status: criteria provided, single submitter. Criteria: Invitae Variant Classification Sherloc (09022015). Collection method: clinical testing. Allele origin: germline.
Comment: This sequence change replaces arginine, which is basic and polar, with histidine, which is basic and polar, at codon 335 of the XDH protein (p.Arg335His). This variant is present in population databases (rs201810251, gnomAD 0.02%). This variant has not been reported in the literature in individuals affected with XDH-related conditions. ClinVar contains an entry for this variant (Variation ID: 2055335). An algorithm developed to predict the effect of missense changes on protein structure and function (PolyPhen-2) suggests that this variant is likely to be disruptive. In summary, the available evidence is currently insufficient to determine the role of this variant in disease. Therefore, it has been classified as a Variant of Uncertain Significance.

Fulgent Genetics
Classification: Uncertain significance for Hereditary xanthinuria type 1. Last evaluated: 2024-05-16. Review status: criteria provided, single submitter. Criteria: ACMG Guidelines, 2015. Collection method: clinical testing. Allele origin: germline.